The following is an entry in ClinVar:

NM_001003800.2(BICD2):c.1703G>C (p.Ser568Thr)

Gene: BICD2 (BICD cargo adaptor 2; minus strand). Cytogenetic location: 9q22.31.
Variant type: single nucleotide variant.
Coding change: c.1703G>C on transcript NM_001003800.2 (MANE Select); coding-DNA position 1703, G replaced by C.
Protein change: p.Ser568Thr; replaces serine 568 with threonine.
Molecular consequence: missense variant.
Genome position (GRCh38, 1-based): chr9:92,718,942, C>G on the plus strand (G>C on the coding strand, the complement: BICD2 is on the minus strand). VCF-style: chr9-92718942-C-G. GRCh37 (hg19) VCF-style: chr9-95481224-C-G.
Other names: c.1703G>C, p.Ser568Thr (NM_015250.4); short protein forms S568T.
Identifiers: ClinVar variation 1956451 (VCV001956451.5), dbSNP rs1461847619, ClinGen allele CA374036282.

ClinVar aggregate classification (germline): Uncertain significance (1 of 4 stars; one submission).

Conditions:
Autosomal dominant childhood-onset proximal spinal muscular atrophy with contractures (SMALED2A). Also called: SPINAL MUSCULAR ATROPHY, LOWER EXTREMITY-PREDOMINANT, 2A, CHILDHOOD ONSET, AUTOSOMAL DOMINANT; Spinal muscular atrophy, lower extremity-predominant, 2A, autosomal dominant. Identifiers: Orphanet 363447, Orphanet 363454, MedGen C4747715, MONDO:0014121, OMIM 615290.

Submission:

Labcorp Genetics (formerly Invitae), Labcorp
Classification: Uncertain significance for Autosomal dominant childhood-onset proximal spinal muscular atrophy with contractures. Last evaluated: 2021-12-21. Review status: criteria provided, single submitter. Criteria: Invitae Variant Classification Sherloc (09022015). Collection method: clinical testing. Allele origin: germline.
Comment: In summary, the available evidence is currently insufficient to determine the role of this variant in disease. Therefore, it has been classified as a Variant of Uncertain Significance. Advanced modeling of protein sequence and biophysical properties (such as structural, functional, and spatial information, amino acid conservation, physicochemical variation, residue mobility, and thermodynamic stability) performed at Invitae indicates that this missense variant is not expected to disrupt BICD2 protein function. This variant has not been reported in the literature in individuals affected with BICD2-related conditions. This variant is present in population databases (no rsID available, gnomAD 0.001%). This sequence change replaces serine, which is neutral and polar, with threonine, which is neutral and polar, at codon 568 of the BICD2 protein (p.Ser568Thr).